The following is an entry in ClinVar:

NM_000154.2(GALK1):c.49dup (p.Arg17fs)

Gene: GALK1 (galactokinase 1; minus strand). Cytogenetic location: 17q25.1.
Variant type: Duplication.
Coding change: c.49dup on transcript NM_000154.2 (MANE Select); coding-DNA position 49, one base duplicated (C; older notation c.49dupC).
Protein change: p.Arg17fs; shifts the reading frame from arginine 17.
Molecular consequence: frameshift variant.
Genome position (GRCh38, 1-based): chr17:75,765,088, G duplicated on the plus strand (C on the coding strand, the reverse complement: GALK1 is on the minus strand); the first of 3 consecutive G bases (chr17:75,765,088-75,765,090); duplicating any one gives the same sequence. VCF-style (leftmost placement, unchanged base first): chr17-75765087-C-CG. GRCh37 (hg19) VCF-style: chr17-73761168-C-CG.
Other names: c.49dup, p.Arg17fs (NM_001381985.1); short protein forms R17fs.
Identifiers: ClinVar variation 5012054 (VCV005012054.1).
Genomic context (GRCh38, chr17:75,765,087, plus strand): 5'-CGGCCCGGCGCTGACACGGCCAGCTCGGGCTCGGCCCCGAACTCCTCCCGGAAGGCTCGC[C>CG]GGGCCTCGGCCAGCAGCTCCGCGACCTGGGGCTGTCTCAAAGCAGCCATGACGCGCGCCT-3'

ClinVar aggregate classification (germline): Pathogenic (1 of 4 stars; one submission).

Conditions:
Deficiency of galactokinase. Also called: GALACTOSEMIA II; Galactokinase deficiency with cataracts. Identifiers: Orphanet 352, Orphanet 79237, MedGen C0268155, MONDO:0009255, OMIM 230200.

Submission:

Myriad Genetics, Inc.
Classification: Pathogenic for Deficiency of galactokinase. Last evaluated: 2023-09-27. Review status: criteria provided, single submitter. Criteria: Myriad Autosomal Dominant, Autosomal Recessive and X-Linked Classification Criteria (2023). Collection method: clinical testing. Allele origin: unknown.
Comment: NM_000154.1(GALK1):c.49dupC(R17Pfs*64) is expected to be pathogenic in the context of galactokinase deficiency. This variant is predicted to lead to an abnormal or absent protein product due to the creation of a premature termination codon in GALK1, a gene where loss-of-function variants are known to be pathogenic. Please note: this variant was assessed in the context of healthy population screening.